The following is an entry in ClinVar:

ClinVar aggregate classification (germline): Uncertain significance (1 of 4 stars; one submission).

Allele frequency attached by ClinVar (database versions not stated): gnomAD exomes 0.00001 and 0.00002; ExAC 0.00002; TOPMed 0.00002.

Submission:

Labcorp Genetics (formerly Invitae), Labcorp
Classification: Uncertain significance. Last evaluated: 2021-09-24. Review status: criteria provided, single submitter. Criteria: Invitae Variant Classification Sherloc (09022015). Collection method: clinical testing. Allele origin: germline.
Comment: This sequence change replaces histidine with tyrosine at codon 388 of the DGAT1 protein (p.His388Tyr). The histidine residue is highly conserved and there is a moderate physicochemical difference between histidine and tyrosine. This variant is present in population databases (rs782749127, ExAC 0.009%). This variant has not been reported in the literature in individuals with DGAT1-related conditions. Algorithms developed to predict the effect of missense changes on protein structure and function (SIFT, PolyPhen-2, Align-GVGD) all suggest that this variant is likely to be disruptive, but these predictions have not been confirmed by published functional studies and their clinical significance is uncertain. In summary, the available evidence is currently insufficient to determine the role of this variant in disease. Therefore, it has been classified as a Variant of Uncertain Significance.

NM_012079.6(DGAT1):c.1162C>T (p.His388Tyr)

Gene: DGAT1 (diacylglycerol O-acyltransferase 1; minus strand). Cytogenetic location: 8q24.3.
Variant type: single nucleotide variant.
Coding change: c.1162C>T on transcript NM_012079.6 (MANE Select); coding-DNA position 1162, C replaced by T.
Protein change: p.His388Tyr; replaces histidine 388 with tyrosine.
Molecular consequence: missense variant.
Genome position (GRCh38, 1-based): chr8:144,317,108, G>A on the plus strand (C>T on the coding strand, the complement: DGAT1 is on the minus strand). VCF-style: chr8-144317108-G-A. GRCh37 (hg19) VCF-style: chr8-145540771-G-A.
Other names: short protein forms H388Y.
Identifiers: ClinVar variation 1372685 (VCV001372685.5), dbSNP rs782749127, ClinGen allele CA4936636.